The following is an entry in ClinVar:

NM_000088.4(COL1A1):c.1516-2A>G

Gene: COL1A1 (collagen type I alpha 1 chain; minus strand). Cytogenetic location: 17q21.33.
Variant type: single nucleotide variant.
Coding change: c.1516-2A>G on transcript NM_000088.4 (MANE Select); the canonical splice acceptor site of the intron before coding-DNA position 1516, A replaced by G.
Molecular consequence: splice acceptor variant.
Genome position (GRCh38, 1-based): chr17:50,194,449, T>C on the plus strand (A>G on the coding strand, the complement: COL1A1 is on the minus strand). VCF-style: chr17-50194449-T-C. GRCh37 (hg19) VCF-style: chr17-48271810-T-C.
Other names: c.1516-2A>G (NM_000088.3).
Identifiers: ClinVar variation 3722873 (VCV003722873.3).

ClinVar aggregate classification (germline): Pathogenic. Review status: criteria provided, multiple submitters, no conflicts (2 of 4 stars). 2 submissions from 2 submitters: Pathogenic (2). Last evaluated 2024-05-22.

Conditions:
Osteogenesis imperfecta type I (OI1). Also called: OI, TYPE I; OSTEOGENESIS IMPERFECTA TARDA; OSTEOGENESIS IMPERFECTA WITH BLUE SCLERAE; Osteogenesis imperfecta type 1; Lobstein's Disease; Lobstein disease. Identifiers: Orphanet 216796, Orphanet 666, MedGen C0023931, MONDO:0008146, OMIM 166200. Disease mechanism: loss of function.

Submissions (2):

Labcorp Genetics (formerly Invitae), Labcorp
Classification: Pathogenic for Osteogenesis imperfecta type I. Last evaluated: 2024-05-22. Review status: criteria provided, single submitter. Criteria: Invitae Variant Classification Sherloc (09022015). Collection method: clinical testing. Allele origin: germline.
Comment: This sequence change affects an acceptor splice site in intron 22 of the COL1A1 gene. It is expected to disrupt RNA splicing. Variants that disrupt the donor or acceptor splice site typically lead to a loss of protein function (PMID: 16199547), and loss-of-function variants in COL1A1 are known to be pathogenic (PMID: 7942841, 9295084, 9443882). This variant is not present in population databases (gnomAD no frequency). Disruption of this splice site has been observed in individuals with osteogenesis imperfecta (PMID: 25963598). Algorithms developed to predict the effect of sequence changes on RNA splicing suggest that this variant may disrupt the consensus splice site. For these reasons, this variant has been classified as Pathogenic.

Revvity Omics, Revvity
Classification: Pathogenic. Last evaluated: 2024-04-04. Review status: criteria provided, single submitter. Criteria: ACMG Guidelines, 2015. Collection method: clinical testing. Allele origin: germline.

Literature cited by the submitters: PubMed 16199547 (cited by Labcorp Genetics (formerly Invitae), Labcorp); PubMed 7942841 (cited by Labcorp Genetics (formerly Invitae), Labcorp); PubMed 9295084 (cited by Labcorp Genetics (formerly Invitae), Labcorp); PubMed 9443882 (cited by Labcorp Genetics (formerly Invitae), Labcorp); PubMed 25963598 (cited by Labcorp Genetics (formerly Invitae), Labcorp).